The following is an entry in ClinVar:

NM_005154.5(USP8):c.1540A>G (p.Ile514Val)

Gene: USP8 (ubiquitin specific peptidase 8; plus strand). Cytogenetic location: 15q21.2.
Variant type: single nucleotide variant.
Coding change: c.1540A>G on transcript NM_005154.5 (MANE Select); coding-DNA position 1540, A replaced by G.
Protein change: p.Ile514Val; replaces isoleucine 514 with valine.
Molecular consequence: missense variant.
Genome position (GRCh38, 1-based): chr15:50,481,802, A>G. VCF-style: chr15-50481802-A-G. GRCh37 (hg19) VCF-style: chr15-50773999-A-G.
Other names: c.1540A>G, p.Ile514Val (NM_001128610.3); c.1309A>G, p.Ile437Val (NM_001283049.2); short protein forms I437V, I514V.
Identifiers: ClinVar variation 1385939 (VCV001385939.8), dbSNP rs746289412, ClinGen allele CA7555735.

ClinVar aggregate classification (germline): Uncertain significance (1 of 4 stars; one submission).

Conditions:
Hereditary spastic paraplegia. Also called: Familial spastic paraparesis. Identifiers: Orphanet 685, MedGen C0037773, MONDO:0019064. Disease mechanism: loss of function.

Allele frequency attached by ClinVar (database versions not stated): TOPMed below 0.00001; gnomAD exomes 0.00001.
gnomAD v4.1: 19 of 1,534,266 alleles (0.0012%); highest among the groups gnomAD compares: East Asian, 0.046%; 1 homozygote.

Submission:

Labcorp Genetics (formerly Invitae), Labcorp
Classification: Uncertain significance for Hereditary spastic paraplegia. Last evaluated: 2020-11-21. Review status: criteria provided, single submitter. Criteria: Invitae Variant Classification Sherloc (09022015). Collection method: clinical testing. Allele origin: germline.
Comment: In summary, the available evidence is currently insufficient to determine the role of this variant in disease. Therefore, it has been classified as a Variant of Uncertain Significance. Algorithms developed to predict the effect of missense changes on protein structure and function output the following: SIFT: "Tolerated"; PolyPhen-2: "Benign"; Align-GVGD: "Class C0". The valine amino acid residue is found in multiple mammalian species, suggesting that this missense change does not adversely affect protein function. These predictions have not been confirmed by published functional studies and their clinical significance is uncertain. This variant has not been reported in the literature in individuals with USP8-related conditions. The frequency data for this variant in the population databases is considered unreliable, as metrics indicate poor data quality at this position in the ExAC database. This sequence change replaces isoleucine with valine at codon 514 of the USP8 protein (p.Ile514Val). The isoleucine residue is weakly conserved and there is a small physicochemical difference between isoleucine and valine.